The following is an entry in ClinVar:

ClinVar aggregate classification (germline): Conflicting classifications of pathogenicity. Review status: criteria provided, conflicting classifications (1 of 4 stars). 2 submissions from 2 submitters: Pathogenic (1); Uncertain significance (1). Last evaluated 2025-08-24.

Submissions (2):

Labcorp Genetics (formerly Invitae), Labcorp
Classification: Pathogenic. Last evaluated: 2025-08-24. Review status: criteria provided, single submitter. Criteria: Invitae Variant Classification Sherloc (09022015). Collection method: clinical testing. Allele origin: germline.
Comment: This sequence change creates a premature translational stop signal (p.Pro418Argfs*94) in the CARMIL2 gene. It is expected to result in an absent or disrupted protein product. Loss-of-function variants in CARMIL2 are known to be pathogenic (PMID: 27647349, 28112205). The frequency data for this variant in the population databases is considered unreliable, as metrics indicate poor data quality at this position in the gnomAD database. This variant has not been reported in the literature in individuals affected with CARMIL2-related conditions. For these reasons, this variant has been classified as Pathogenic.

Blueprint Genetics
Classification: Uncertain significance. Last evaluated: 2024-09-10. Review status: criteria provided, single submitter. Criteria: ACMG Guidelines, 2015. Collection method: clinical testing. Allele origin: germline.

Literature cited by the submitters: PubMed 27647349 (cited by Labcorp Genetics (formerly Invitae), Labcorp); PubMed 28112205 (cited by Labcorp Genetics (formerly Invitae), Labcorp).

NM_001013838.3(CARMIL2):c.1253del (p.Pro418fs)

Gene: CARMIL2 (capping protein regulator and myosin 1 linker 2; plus strand). Cytogenetic location: 16q22.1.
Variant type: Deletion.
Coding change: c.1253del on transcript NM_001013838.3 (MANE Select); coding-DNA position 1253, one base deleted (C; older notation c.1253delC).
Protein change: p.Pro418fs; shifts the reading frame from proline 418.
Molecular consequence: frameshift variant. On other transcripts: intron variant (3).
Genome position (GRCh38, 1-based): chr16:67,648,233, C deleted; the last of 6 consecutive C bases (chr16:67,648,228-67,648,233); deleting any one gives the same sequence. VCF-style (leftmost placement, unchanged base first): chr16-67648227-TC-T. GRCh37 (hg19) VCF-style: chr16-67682130-TC-T.
Other names: c.1150-5del (NM_001438835.1, NM_001438244.1, NM_001317026.3); short protein forms P418fs.
Identifiers: ClinVar variation 4764364 (VCV004764364.2).